The following is an entry in ClinVar:

NM_006231.4(POLE):c.454T>C (p.Tyr152His)

Gene: POLE (DNA polymerase epsilon, catalytic subunit; minus strand). Cytogenetic location: 12q24.33.
Variant type: single nucleotide variant.
Coding change: c.454T>C on transcript NM_006231.4 (MANE Select); coding-DNA position 454, T replaced by C.
Protein change: p.Tyr152His; replaces tyrosine 152 with histidine.
Molecular consequence: missense variant.
Genome position (GRCh38, 1-based): chr12:132,679,621, A>G on the plus strand (T>C on the coding strand, the complement: POLE is on the minus strand). VCF-style: chr12-132679621-A-G. GRCh37 (hg19) VCF-style: chr12-133256207-A-G.
Other names: short protein forms Y152H.
Identifiers: ClinVar variation 4745614 (VCV004745614.1).

ClinVar aggregate classification (germline): Uncertain significance (1 of 4 stars; one submission).

Submission:

Labcorp Genetics (formerly Invitae), Labcorp
Classification: Uncertain significance. Last evaluated: 2025-06-05. Review status: criteria provided, single submitter. Criteria: Invitae Variant Classification Sherloc (09022015). Collection method: clinical testing. Allele origin: germline.
Comment: This sequence change replaces tyrosine, which is neutral and polar, with histidine, which is basic and polar, at codon 152 of the POLE protein (p.Tyr152His). This variant is not present in population databases (gnomAD no frequency). This variant has not been reported in the literature in individuals affected with POLE-related conditions. Invitae Evidence Modeling of protein sequence and biophysical properties (such as structural, functional, and spatial information, amino acid conservation, physicochemical variation, residue mobility, and thermodynamic stability) has been performed for this missense variant. However, the output from this modeling did not meet the statistical confidence thresholds required to predict the impact of this variant on POLE protein function. In summary, the available evidence is currently insufficient to determine the role of this variant in disease. Therefore, it has been classified as a Variant of Uncertain Significance.